The following is an entry in ClinVar:

ClinVar aggregate classification (germline): Uncertain significance. Review status: criteria provided, multiple submitters, no conflicts (2 of 4 stars). 2 submissions from 2 submitters: Uncertain significance (2). Last evaluated 2024-10-08.

Conditions:
Inborn genetic diseases. Identifiers: MedGen C0950123, MeSH D030342.

gnomAD v4.1: 15 of 1,614,198 alleles (0.00093%); highest among the groups gnomAD compares: Non-Finnish European, 0.0011%; no homozygotes.

Submissions (2):

Labcorp Genetics (formerly Invitae), Labcorp
Classification: Uncertain significance. Last evaluated: 2024-10-08. Review status: criteria provided, single submitter. Criteria: Invitae Variant Classification Sherloc (09022015). Collection method: clinical testing. Allele origin: germline.
Comment: This sequence change replaces proline, which is neutral and non-polar, with glutamine, which is neutral and polar, at codon 259 of the RDH5 protein (p.Pro259Gln). This variant is not present in population databases (gnomAD no frequency). This variant has not been reported in the literature in individuals affected with RDH5-related conditions. ClinVar contains an entry for this variant (Variation ID: 962002). Invitae Evidence Modeling of protein sequence and biophysical properties (such as structural, functional, and spatial information, amino acid conservation, physicochemical variation, residue mobility, and thermodynamic stability) has been performed for this missense variant. However, the output from this modeling did not meet the statistical confidence thresholds required to predict the impact of this variant on RDH5 protein function. In summary, the available evidence is currently insufficient to determine the role of this variant in disease. Therefore, it has been classified as a Variant of Uncertain Significance.

Ambry Genetics
Classification: Uncertain significance for Inborn genetic diseases. Last evaluated: 2024-03-18. Review status: criteria provided, single submitter. Criteria: Ambry Variant Classification Scheme 2023. Collection method: clinical testing. Allele origin: germline.

NM_002905.5(RDH5):c.776C>A (p.Pro259Gln)

Genes: BLOC1S1-RDH5 (BLOC1S1-RDH5 readthrough; plus strand), CD63 (CD63 molecule; minus strand), RDH5 (retinol dehydrogenase 5; plus strand). Cytogenetic location: 12q13.2.
Variant type: single nucleotide variant.
Coding change: c.776C>A on transcript NM_002905.5 (MANE Select); coding-DNA position 776, C replaced by A.
Protein change: p.Pro259Gln; replaces proline 259 with glutamine.
Molecular consequence: missense variant. On other transcripts: non-coding transcript variant (1).
Genome position (GRCh38, 1-based): chr12:55,724,364, C>A. VCF-style: chr12-55724364-C-A. GRCh37 (hg19) VCF-style: chr12-56118148-C-A.
Other names: c.776C>A, p.Pro259Gln (NM_001199771.3); short protein forms P259Q.
Identifiers: ClinVar variation 962002 (VCV000962002.9), dbSNP rs748586229, ClinGen allele CA385203134.